The following is an entry in ClinVar:

ClinVar aggregate classification (germline): Pathogenic (1 of 4 stars; one submission).

Submission:

Labcorp Genetics (formerly Invitae), Labcorp
Classification: Pathogenic. Last evaluated: 2023-08-23. Review status: criteria provided, single submitter. Criteria: Invitae Variant Classification Sherloc (09022015). Collection method: clinical testing. Allele origin: germline.
Comment: For these reasons, this variant has been classified as Pathogenic. This variant has not been reported in the literature in individuals affected with NFKB1-related conditions. This variant is not present in population databases (gnomAD no frequency). This sequence change creates a premature translational stop signal (p.Val150Tyrfs*9) in the NFKB1 gene. It is expected to result in an absent or disrupted protein product. Loss-of-function variants in NFKB1 are known to be pathogenic (PMID: 26279205, 29477724).

Literature cited by the submitters: PubMed 26279205; PubMed 29477724.

NM_003998.4(NFKB1):c.447del (p.Val150fs)

Gene: NFKB1 (nuclear factor kappa B subunit 1; plus strand). Cytogenetic location: 4q24.
Variant type: Deletion.
Coding change: c.447del on transcript NM_003998.4 (MANE Select); coding-DNA position 447, one base deleted (A; older notation c.447delA).
Protein change: p.Val150fs; shifts the reading frame from valine 150.
Molecular consequence: frameshift variant.
Genome position (GRCh38, 1-based): chr4:102,576,915, A deleted; the last of 6 consecutive A bases (chr4:102,576,910-102,576,915); deleting any one gives the same sequence. VCF-style (leftmost placement, unchanged base first): chr4-102576909-GA-G. GRCh37 (hg19) VCF-style: chr4-103498066-GA-G.
Other names: c.444del, p.Val149fs (NM_001165412.2, NM_001319226.2, NM_001382627.1); c.447del, p.Val150fs (NM_001382625.1, NM_001382626.1); c.405del, p.Val136fs (NM_001382628.1); short protein forms V136fs, V149fs, V150fs.
Identifiers: ClinVar variation 2753571 (VCV002753571.3), dbSNP rs2476402911, ClinGen allele CA2697546874.
Genomic context (GRCh38, chr4:102,576,909, plus strand): 5'-CTGCTGCTGTTACTGTTTTTTCTCCAGCTTCGCAAACCTGGGTATACTTCATGTGACAAA[GA>G]AAAAAGTATTTGAAACACTGGAAGCACGAATGACAGAGGCGTGTATAAGGGGCTATAATC-3'